The following is an entry in ClinVar:

ClinVar aggregate classification (germline): Uncertain significance (1 of 4 stars; one submission).

Conditions:
Pulmonary fibrosis and/or bone marrow failure, Telomere-related, 3. Also called: PULMONARY FIBROSIS AND/OR BONE MARROW FAILURE SYNDROME, TELOMERE-RELATED, 3. Identifiers: Orphanet 2032, MedGen C4225346, MONDO:0014613, OMIM 616373.
Dyskeratosis congenita, autosomal recessive 5 (DKCB5). Identifiers: MedGen C3554656, MONDO:0014076, OMIM 615190.

Submission:

Labcorp Genetics (formerly Invitae), Labcorp
Classification: Uncertain significance for Dyskeratosis congenita, autosomal recessive 5; Pulmonary fibrosis and/or bone marrow failure, Telomere-related, 3. Last evaluated: 2026-01-01. Review status: criteria provided, single submitter. Criteria: Invitae Variant Classification Sherloc (09022015). Collection method: clinical testing. Allele origin: germline.
Comment: This sequence change replaces serine, which is neutral and polar, with cysteine, which is neutral and slightly polar, at codon 860 of the RTEL1 protein (p.Ser860Cys). This variant is not present in population databases (gnomAD no frequency). This variant has not been reported in the literature in individuals affected with RTEL1-related conditions. An algorithm developed to predict the effect of missense changes on protein structure and function outputs the following: PolyPhen-2: "Benign". The cysteine amino acid residue is found in multiple mammalian species, which suggests that this missense change does not adversely affect protein function. In summary, the available evidence is currently insufficient to determine the role of this variant in disease. Therefore, it has been classified as a Variant of Uncertain Significance.

NM_001283009.2(RTEL1):c.2579C>G (p.Ser860Cys)

Genes: RTEL1 (regulator of telomere elongation helicase 1; plus strand), RTEL1-TNFRSF6B (RTEL1-TNFRSF6B readthrough (NMD candidate); plus strand). Cytogenetic location: 20q13.33.
Variant type: single nucleotide variant.
Coding change: c.2579C>G on transcript NM_001283009.2 (MANE Select); coding-DNA position 2579, C replaced by G.
Protein change: p.Ser860Cys; replaces serine 860 with cysteine.
Molecular consequence: missense variant. On other transcripts: non-coding transcript variant (1).
Genome position (GRCh38, 1-based): chr20:63,691,764, C>G. VCF-style: chr20-63691764-C-G. GRCh37 (hg19) VCF-style: chr20-62323117-C-G.
Other names: c.1910C>G, p.Ser637Cys (NM_001283010.1); c.2579C>G, p.Ser860Cys (NM_016434.4); c.2651C>G, p.Ser884Cys (NM_032957.5); short protein forms S860C, S884C, S637C.
Identifiers: ClinVar variation 4783963 (VCV004783963.1).